The following is an entry in ClinVar:

NM_003611.3(OFD1):c.217G>A (p.Ala73Thr)

Gene: OFD1 (OFD1 centriole and centriolar satellite protein; plus strand). Cytogenetic location: Xp22.2.
Variant type: single nucleotide variant.
Coding change: c.217G>A on transcript NM_003611.3 (MANE Select); coding-DNA position 217, G replaced by A.
Protein change: p.Ala73Thr; replaces alanine 73 with threonine.
Molecular consequence: missense variant. On other transcripts: 5 prime UTR variant (1).
Genome position (GRCh38, 1-based): chrX:13,736,583, G>A. VCF-style: chrX-13736583-G-A. GRCh37 (hg19) VCF-style: chrX-13754702-G-A.
Other names: c.217G>A, p.Ala73Thr (NM_001330209.2); c.-329G>A (NM_001330210.2); c.217G>A (NM_003611.2); short protein forms A73T.
Identifiers: ClinVar variation 3598061 (VCV003598061.3).

ClinVar aggregate classification (germline): Uncertain significance. Review status: criteria provided, multiple submitters, no conflicts (2 of 4 stars). 3 submissions from 3 submitters: Uncertain significance (3). Last evaluated 2024-08-25.

Conditions:
Orofaciodigital syndrome I (OFD1). Also called: Papillon-Leage and Psaume Syndrome; OFDS I; Oral-Facial-Digital Syndrome Type I. Identifiers: Orphanet 2750, MedGen C1510460, MONDO:0010702, OMIM 311200.
Joubert syndrome 10 (JBTS10). Identifiers: Orphanet 2754, MedGen C2749019, MONDO:0010431, OMIM 300804.
Retinitis pigmentosa 23 (RP23). Identifiers: Orphanet 791, MedGen C1419610, MONDO:0010320, OMIM 300424.
Simpson-Golabi-Behmel syndrome type 2. Identifiers: Orphanet 79022, MedGen C1846175, MONDO:0010265, OMIM 300209.

Submissions (3):

GeneDx
Classification: Uncertain significance. Last evaluated: 2024-08-25. Review status: criteria provided, single submitter. Criteria: GeneDx Variant Classification Process June 2021. Collection method: clinical testing. Allele origin: germline. Affected: yes.
Comment: Not observed at significant frequency in large population cohorts (gnomAD); In silico analysis supports that this missense variant has a deleterious effect on protein structure/function; Has not been previously published as pathogenic or benign to our knowledge

Fulgent Genetics
Classification: Uncertain significance for Simpson-Golabi-Behmel syndrome type 2; Retinitis pigmentosa 23; Joubert syndrome 10; Orofaciodigital syndrome I. Last evaluated: 2024-05-28. Review status: criteria provided, single submitter. Criteria: ACMG Guidelines, 2015. Collection method: clinical testing. Allele origin: germline.

Blueprint Genetics
Classification: Uncertain significance. Last evaluated: 2023-08-28. Review status: criteria provided, single submitter. Criteria: ACMG Guidelines, 2015. Collection method: clinical testing. Allele origin: germline.